The following is an entry in ClinVar:

ClinVar aggregate classification (germline): Likely benign. Review status: criteria provided, multiple submitters, no conflicts (2 of 4 stars). 2 submissions from 2 submitters: Likely benign (2). Last evaluated 2026-05-14.

Conditions:
Neurofibromatosis, type 1 (NF1). Also called: NEUROFIBROMATOSIS, TYPE I, SOMATIC; Peripheral type neurofibromatosis; VON RECKLINGHAUSEN DISEASE; Neurofibromatosis, type I. Identifiers: Orphanet 636, MedGen C0027831, MONDO:0018975, OMIM 162200. Disease mechanism: loss of function.

gnomAD v4.1: 2 of 1,613,034 alleles (0.00012%); highest among the groups gnomAD compares: South Asian, 0.0011%; no homozygotes.

Submissions (2):

Myriad Genetics, Inc.
Classification: Likely benign for Neurofibromatosis, type 1. Last evaluated: 2026-05-14. Review status: criteria provided, single submitter. Criteria: Myriad Autosomal Dominant, Autosomal Recessive and X-Linked Classification Criteria (2023). Collection method: clinical testing. Allele origin: unknown.
Comment: This variant is considered likely benign. This variant is intronic and is not expected to impact mRNA splicing.

Labcorp Genetics (formerly Invitae), Labcorp
Classification: Likely benign for Neurofibromatosis, type 1. Last evaluated: 2024-01-19. Review status: criteria provided, single submitter. Criteria: Invitae Variant Classification Sherloc (09022015). Collection method: clinical testing. Allele origin: germline.

NM_001042492.3(NF1):c.7870-8C>T

Gene: NF1 (neurofibromin 1; plus strand). Cytogenetic location: 17q11.2.
Variant type: single nucleotide variant.
Coding change: c.7870-8C>T on transcript NM_001042492.3 (MANE Select); 8 bases into the intron before coding-DNA position 7870, C replaced by T.
Molecular consequence: intron variant.
Genome position (GRCh38, 1-based): chr17:31,357,261, C>T. VCF-style: chr17-31357261-C-T. GRCh37 (hg19) VCF-style: chr17-29684279-C-T.
Other names: c.7807-8C>T (NM_000267.4).
Identifiers: ClinVar variation 775382 (VCV000775382.8), dbSNP rs372441422, ClinGen allele CA915949909.